The following is an entry in ClinVar:

ClinVar aggregate classification (germline): Benign/Likely benign. Review status: criteria provided, multiple submitters, no conflicts (2 of 4 stars). 3 submissions from 3 submitters: Benign (1); Likely benign (2). Last evaluated 2025-04-02.

Conditions:
Arrhythmogenic cardiomyopathy with wooly hair and keratoderma. Also called: Arrhythmogenic cardiomyopathy with woolly hair and keratoderma; PALMOPLANTAR KERATODERMA WITH LEFT VENTRICULAR CARDIOMYOPATHY AND WOOLLY HAIR; Carvajal syndrome; Dilated cardiomyopathy with woolly hair and keratoderma. Identifiers: Orphanet 65282, MedGen C1854063, MONDO:0011581, OMIM 605676.
Cardiovascular phenotype. Identifiers: MedGen CN230736.
Arrhythmogenic right ventricular dysplasia 8 (ARVD8). Also called: Arrhythmogenic Right Ventricular Dysplasia/Cardiomyopathy 8; ARRHYTHMOGENIC RIGHT VENTRICULAR DYSPLASIA, FAMILIAL, 8; ARRHYTHMOGENIC RIGHT VENTRICULAR CARDIOMYOPATHY 8. Identifiers: MedGen C1843896, MONDO:0011831, OMIM 607450.

Allele frequency attached by ClinVar (database versions not stated): gnomAD 0.00001; gnomAD exomes 0.00001; TOPMed 0.00001.
gnomAD v4.1: 6 of 1,613,980 alleles (0.00037%); highest among the groups gnomAD compares: Non-Finnish European, 0.00051%; no homozygotes.

Submissions (3):

Labcorp Genetics (formerly Invitae), Labcorp
Classification: Benign for Arrhythmogenic cardiomyopathy with wooly hair and keratoderma; Arrhythmogenic right ventricular dysplasia 8. Last evaluated: 2025-04-02. Review status: criteria provided, single submitter. Criteria: Invitae Variant Classification Sherloc (09022015). Collection method: clinical testing. Allele origin: germline.

All of Us Research Program, National Institutes of Health
Classification: Likely benign for Arrhythmogenic cardiomyopathy with wooly hair and keratoderma. Last evaluated: 2024-02-05. Review status: criteria provided, single submitter. Criteria: ACMG Guidelines, 2015. Collection method: clinical testing. Allele origin: germline. Inheritance: Autosomal dominant inheritance. Observed: 1 variant allele, 1 heterozygote.
Comment: This study involves interpretation of variants in research participants for the purpose of population health screening. Participant phenotype was not available at the time of variant classification. Additional details can be found in publication PMID: 35346344, PMCID: PMC8962531

Ambry Genetics
Classification: Likely benign for Cardiovascular phenotype. Last evaluated: 2019-12-18. Review status: criteria provided, single submitter. Criteria: Ambry Variant Classification Scheme 2023. Collection method: clinical testing. Allele origin: germline.

NM_004415.4(DSP):c.2196C>T (p.Asn732=)

Gene: DSP (desmoplakin; plus strand). Cytogenetic location: 6p24.3.
Variant type: single nucleotide variant.
Coding change: c.2196C>T on transcript NM_004415.4 (MANE Select); coding-DNA position 2196, C replaced by T.
Protein change: p.Asn732=; no amino-acid change (asparagine 732 retained).
Molecular consequence: synonymous variant.
Genome position (GRCh38, 1-based): chr6:7,574,151, C>T. VCF-style: chr6-7574151-C-T. GRCh37 (hg19) VCF-style: chr6-7574384-C-T.
Other names: c.2196C>T, p.Asn732= (NM_001008844.3, NM_001319034.2).
Identifiers: ClinVar variation 1787488 (VCV001787488.4), dbSNP rs1424884336, ClinGen allele CA448526490.